The following is an entry in ClinVar:

NM_001042492.3(NF1):c.591del (p.Ala198fs)

Gene: NF1 (neurofibromin 1; plus strand). Cytogenetic location: 17q11.2.
Variant type: Deletion.
Coding change: c.591del on transcript NM_001042492.3 (MANE Select); coding-DNA position 591, one base deleted (A; older notation c.591delA).
Protein change: p.Ala198fs; shifts the reading frame from alanine 198.
Molecular consequence: frameshift variant.
Genome position (GRCh38, 1-based): chr17:31,181,426, A deleted. VCF-style (leftmost placement, unchanged base first): chr17-31181425-CA-C. GRCh37 (hg19) VCF-style: chr17-29508443-CA-C.
Other names: c.591delA, p.Ala198Hisfs (NM_000267.4); c.591del, p.Ala198fs (NM_001128147.3); short protein forms A198fs.
Identifiers: ClinVar variation 2035433 (VCV002035433.4), dbSNP rs2544747563, ClinGen allele CA2580092764.

ClinVar aggregate classification (germline): Pathogenic (1 of 4 stars; one submission).

Conditions:
Neurofibromatosis, type 1 (NF1). Also called: VON RECKLINGHAUSEN DISEASE; NEUROFIBROMATOSIS, TYPE I, SOMATIC; Neurofibromatosis, type I; Peripheral type neurofibromatosis. Identifiers: Orphanet 636, MedGen C0027831, MONDO:0018975, OMIM 162200. Disease mechanism: loss of function.

Submission:

Labcorp Genetics (formerly Invitae), Labcorp
Classification: Pathogenic for Neurofibromatosis, type 1. Last evaluated: 2022-10-13. Review status: criteria provided, single submitter. Criteria: Invitae Variant Classification Sherloc (09022015). Collection method: clinical testing. Allele origin: germline.
Comment: For these reasons, this variant has been classified as Pathogenic. This variant has not been reported in the literature in individuals affected with NF1-related conditions. This variant is not present in population databases (gnomAD no frequency). This sequence change creates a premature translational stop signal (p.Ala198Hisfs*7) in the NF1 gene. It is expected to result in an absent or disrupted protein product. Loss-of-function variants in NF1 are known to be pathogenic (PMID: 10712197, 23913538).

Literature cited by the submitters: PubMed 10712197; PubMed 23913538.